The following is an entry in ClinVar:

ClinVar aggregate classification (germline): Pathogenic/Likely pathogenic. Review status: criteria provided, multiple submitters, no conflicts (2 of 4 stars). 5 submissions from 5 submitters: Pathogenic (4); Likely pathogenic (1). Last evaluated 2026-02-05.

Conditions:
Au-Kline syndrome. Also called: Okamoto syndrome; Neurodevelopmental disorder-craniofacial dysmorphism-cardiac defect-hip dysplasia syndrome due to a point mutation. Identifiers: Orphanet 2729, Orphanet 453499, Orphanet 453504, MedGen C4225274, MONDO:0014700, OMIM 616580.
Neonatal encephalopathy. Identifiers: MedGen C0235820.

gnomAD v4.1: 1 of 1,600,554 alleles (0.000062%); highest among the groups gnomAD compares: Non-Finnish European, 0.000085%; no homozygotes.

Submissions (5):

GeneDx
Classification: Pathogenic. Last evaluated: 2026-02-05. Review status: criteria provided, single submitter. Criteria: GeneDx Variant Classification Process June 2021. Collection method: clinical testing. Allele origin: germline.
Comment: Nonsense variant predicted to result in protein truncation or nonsense mediated decay in a gene for which loss of function is a known mechanism of disease; Reported as an apparently de novo variant in a newborn with encephalopathy, respiratory failure, foot deformity, and small jaw (PMID: 38284441); Not observed at significant frequency in large population cohorts (gnomAD); This variant is associated with the following publications: (PMID: 38284441)

Genomic Medicine Center of Excellence, King Faisal Specialist Hospital and Research Centre
Classification: Likely pathogenic for Au-Kline syndrome. Last evaluated: 2024-03-25. Review status: criteria provided, single submitter. Criteria: ACMG Guidelines, 2015. Collection method: clinical testing. Allele origin: germline.

3billion
Classification: Pathogenic for Au-Kline syndrome. Last evaluated: 2023-09-05. Review status: criteria provided, single submitter. Criteria: ACMG Guidelines, 2015. Collection method: clinical testing. Allele origin: germline. Affected: yes.
Comment: The variant is not observed in the gnomAD v2.1.1 dataset. Predicted Consequence/Location: Stop-gained (nonsense): predicted to result in a loss or disruption of normal protein function through nonsense-mediated decay (NMD) or protein truncation. Multiple pathogenic variants are reported downstream of the variant. The variant has been reported to be associated with HNRNPK related disorder (ClinVar ID: VCV002444445). Therefore, this variant is classified as Pathogenic according to the recommendation of ACMG/AMP guideline.

Labcorp Genetics (formerly Invitae), Labcorp
Classification: Pathogenic. Last evaluated: 2023-08-30. Review status: criteria provided, single submitter. Criteria: Invitae Variant Classification Sherloc (09022015). Collection method: clinical testing. Allele origin: germline.
Comment: This variant has not been reported in the literature in individuals affected with HNRNPK-related conditions. For these reasons, this variant has been classified as Pathogenic. ClinVar contains an entry for this variant (Variation ID: 2444445). This variant is not present in population databases (gnomAD no frequency). This sequence change creates a premature translational stop signal (p.Arg296*) in the HNRNPK gene. It is expected to result in an absent or disrupted protein product. Loss-of-function variants in HNRNPK are known to be pathogenic (PMID: 26173930, 26954065).

The International Centre for Genetic Engineering and Biotechnology China Regional Research Centre
Classification: Pathogenic for Neonatal encephalopathy. Last evaluated: 2022-07-01. Review status: criteria provided, single submitter. Criteria: ACMG Guidelines, 2015. Collection method: clinical testing. Allele origin: de novo. Affected: yes. Observed: 1 variant allele.

Literature cited by the submitters: PubMed 26173930 (cited by Labcorp Genetics (formerly Invitae), Labcorp); PubMed 26954065 (cited by Labcorp Genetics (formerly Invitae), Labcorp).

NM_031263.4(HNRNPK):c.886C>T (p.Arg296Ter)

Gene: HNRNPK (heterogeneous nuclear ribonucleoprotein K; minus strand). Cytogenetic location: 9q21.32.
Variant type: single nucleotide variant.
Coding change: c.886C>T on transcript NM_031263.4 (MANE Select); coding-DNA position 886, C replaced by T.
Protein change: p.Arg296Ter; replaces arginine 296 with a stop codon.
Molecular consequence: nonsense.
Genome position (GRCh38, 1-based): chr9:83,971,949, G>A on the plus strand (C>T on the coding strand, the complement: HNRNPK is on the minus strand). VCF-style: chr9-83971949-G-A. GRCh37 (hg19) VCF-style: chr9-86586864-G-A.
Other names: c.814C>T, p.Arg272Ter (NM_001318186.2, NM_001318187.2); c.886C>T, p.Arg296Ter (NM_001318188.2, NM_002140.5, NM_031262.4); c.886C>T (NM_002140.3); short protein forms R272*, R296*.
Identifiers: ClinVar variation 2444445 (VCV002444445.7), dbSNP rs2491969421, ClinGen allele CA373923606.
Genomic context (GRCh38, chr9:83,971,949, plus strand): 5'-TAGGTGGTGGTGGTGGAGGAAGAGGAAGATTCCGAGCTCTGCTACCACCCCGGCCGCCTC[G>A]TCCGGGAGGAGGGGGAGGTGGTCCTCGACGAGGGCTCATATCATCATAATCTCTTCTAGA-3'